The following is an entry in ClinVar:

ClinVar aggregate classification (germline): Uncertain significance (1 of 4 stars; one submission).

Submission:

Labcorp Genetics (formerly Invitae), Labcorp
Classification: Uncertain significance. Last evaluated: 2024-10-17. Review status: criteria provided, single submitter. Criteria: Invitae Variant Classification Sherloc (09022015). Collection method: clinical testing. Allele origin: germline.
Comment: This sequence change replaces threonine, which is neutral and polar, with alanine, which is neutral and non-polar, at codon 540 of the ERBIN protein (p.Thr540Ala). This variant is not present in population databases (gnomAD no frequency). This variant has not been reported in the literature in individuals affected with ERBIN-related conditions. An algorithm developed to predict the effect of missense changes on protein structure and function outputs the following: PolyPhen-2: "Benign". The alanine amino acid residue is found in multiple mammalian species, which suggests that this missense change does not adversely affect protein function. In summary, the available evidence is currently insufficient to determine the role of this variant in disease. Therefore, it has been classified as a Variant of Uncertain Significance.

NM_001253697.2(ERBIN):c.1618A>G (p.Thr540Ala)

Gene: ERBIN (erbb2 interacting protein; plus strand). Cytogenetic location: 5q12.3.
Variant type: single nucleotide variant.
Coding change: c.1618A>G on transcript NM_001253697.2 (MANE Select); coding-DNA position 1618, A replaced by G.
Protein change: p.Thr540Ala; replaces threonine 540 with alanine.
Molecular consequence: missense variant.
Genome position (GRCh38, 1-based): chr5:66,046,368, A>G. VCF-style: chr5-66046368-A-G. GRCh37 (hg19) VCF-style: chr5-65342196-A-G.
Other names: c.1618A>G, p.Thr540Ala (NM_001006600.3, NM_001253698.2, NM_001253699.2 and 1 more transcripts); c.1606A>G, p.Thr536Ala (NM_001253701.2); short protein forms T536A, T540A.
Identifiers: ClinVar variation 3607912 (VCV003607912.2).